The following is an entry in ClinVar:

NM_017763.6(RNF43):c.1210C>T (p.Arg404Cys)

Gene: RNF43 (ring finger protein 43; minus strand). Cytogenetic location: 17q22.
Variant type: single nucleotide variant.
Coding change: c.1210C>T on transcript NM_017763.6 (MANE Select); coding-DNA position 1210, C replaced by T.
Protein change: p.Arg404Cys; replaces arginine 404 with cysteine.
Molecular consequence: missense variant.
Genome position (GRCh38, 1-based): chr17:58,358,566, G>A on the plus strand (C>T on the coding strand, the complement: RNF43 is on the minus strand). VCF-style: chr17-58358566-G-A. GRCh37 (hg19) VCF-style: chr17-56435927-G-A.
Other names: c.1210C>T (NM_017763.4); c.1210C>T, p.Arg404Cys (NM_001305544.3); c.829C>T, p.Arg277Cys (NM_001305545.2); short protein forms R404C, R277C.
Identifiers: ClinVar variation 933938 (VCV000933938.14), dbSNP rs767761157, ClinGen allele CA8673215.
Genomic context (GRCh38, chr17:58,358,566, plus strand): 5'-TGGATTGGAGGTGGCTCAGTCCCCAGCCTTGTGCATAGGGGTGCTGGGCTCCTGCCAGGC[G>A]CTGCTGCTCTCCTGGAGCCCGGGGATGTGCAGCTCTGGGGAAGCGGTGATGCCGAGGGCC-3'
Protein context (NP_060233.3, residues 394-414): AHPRAPGEQQ[Arg404Cys]LAGAQHPYAQ

ClinVar aggregate classification (germline): Uncertain significance. Review status: criteria provided, multiple submitters, no conflicts (2 of 4 stars). 5 submissions from 5 submitters: Uncertain significance (5). Last evaluated 2025-05-12.

Conditions:
Sessile serrated polyposis cancer syndrome (SSPCS). Identifiers: Orphanet 157798, MedGen C4310714, MONDO:0014919, OMIM 617108.

Allele frequency attached by ClinVar (database versions not stated): gnomAD 0.00002 and 0.00003; gnomAD exomes 0.00002; ExAC 0.00005; TOPMed 0.00008.

Submissions (5):

Labcorp Genetics (formerly Invitae), Labcorp
Classification: Uncertain significance. Last evaluated: 2025-05-12. Review status: criteria provided, single submitter. Criteria: Invitae Variant Classification Sherloc (09022015). Collection method: clinical testing. Allele origin: germline.
Comment: This sequence change replaces arginine, which is basic and polar, with cysteine, which is neutral and slightly polar, at codon 404 of the RNF43 protein (p.Arg404Cys). This variant is present in population databases (rs767761157, gnomAD 0.006%). This variant has not been reported in the literature in individuals affected with RNF43-related conditions. ClinVar contains an entry for this variant (Variation ID: 933938). An algorithm developed to predict the effect of missense changes on protein structure and function outputs the following: PolyPhen-2: "Benign". The cysteine amino acid residue is found in multiple mammalian species, which suggests that this missense change does not adversely affect protein function. In summary, the available evidence is currently insufficient to determine the role of this variant in disease. Therefore, it has been classified as a Variant of Uncertain Significance.

Center for Genomic Medicine, Rigshospitalet, Copenhagen University Hospital
Classification: Uncertain significance. Last evaluated: 2025-03-04. Review status: criteria provided, single submitter. Criteria: ACMG Guidelines, 2015. Collection method: clinical testing. Allele origin: germline.

Ambry Genetics
Classification: Uncertain significance. Last evaluated: 2024-12-17. Review status: criteria provided, single submitter. Criteria: Ambry Variant Classification Scheme 2023. Collection method: clinical testing. Allele origin: germline.
Comment: The p.R404C variant (also known as c.1210C>T), located in coding exon 8 of the RNF43 gene, results from a C to T substitution at nucleotide position 1210. The arginine at codon 404 is replaced by cysteine, an amino acid with highly dissimilar properties. This amino acid position is poorly conserved in available vertebrate species. In addition, this alteration is predicted to be tolerated by in silico analysis. The evidence for this gene-disease relationship is limited; therefore, the clinical significance of this alteration is unclear.

Baylor Genetics
Classification: Uncertain significance for Sessile serrated polyposis cancer syndrome. Last evaluated: 2024-02-29. Review status: criteria provided, single submitter. Criteria: ACMG Guidelines, 2015. Collection method: clinical testing. Allele origin: unknown.

Department of Pathology and Laboratory Medicine, Sinai Health System
Classification: Uncertain significance for Sessile serrated polyposis cancer syndrome. Last evaluated: 2023-06-14. Review status: criteria provided, single submitter. Criteria: ACMG Guidelines, 2015. Collection method: clinical testing. Allele origin: germline. Affected: yes.